The following is an entry in ClinVar:

ClinVar aggregate classification (germline): Benign (3 of 4 stars; one submission).

Conditions:
Breast-ovarian cancer, familial, susceptibility to, 1 (BROVCA1). Also called: BRCA1 Hereditary Breast and Ovarian Cancer; OVARIAN CANCER, SUSCEPTIBILITY TO. Identifiers: Orphanet 145, MedGen C2676676, MONDO:0011450, OMIM 604370. Disease mechanism: loss of function.

Submission:

Evidence-based Network for the Interpretation of Germline Mutant Alleles (ENIGMA)
Classification: Benign for Breast-ovarian cancer, familial, susceptibility to, 1. Last evaluated: 2016-09-28. Review status: reviewed by expert panel. Criteria: ENIGMA BRCA1/2 Classification Criteria (2015). Collection method: curation. Allele origin: germline.
Comment: Class 1 not pathogenic based on frequency >1% in an outbred sampleset. Frequency 0.2515 (European), 0.1082 (African), 0.2882 (Admixed American/Latino), 0.2569 (East Asian), 0.3364 (South Asian), derived from 1000 genomes (2013-05-02).

NM_007294.4(BRCA1):c.81-2983dup

Gene: BRCA1 (BRCA1 DNA repair associated; minus strand). Cytogenetic location: 17q21.31.
Variant type: Duplication.
Coding change: c.81-2983dup on transcript NM_007294.4 (MANE Select); 2983 bases into the intron before coding-DNA position 81, one base duplicated (A; older notation c.81-2983dupA).
Molecular consequence: intron variant.
Genome position (GRCh38, 1-based): chr17:43,118,762, T duplicated on the plus strand (A on the coding strand, the reverse complement: BRCA1 is on the minus strand); the first of 15 consecutive T bases (chr17:43,118,762-43,118,776); duplicating any one gives the same sequence. VCF-style (leftmost placement, unchanged base first): chr17-43118761-C-CT. GRCh37 (hg19) VCF-style: chr17-41270778-C-CT.
Other names: c.-61-2983dup (NM_001408458.1, NM_001408470.1, NM_001407848.1 and 16 more transcripts); c.-219+6515dup (NM_001407967.1); c.-170+6515dup (NM_001407959.1); c.-8+6515dup (NM_001407931.1, NM_001407747.1); c.-223-2983dup (NM_001407962.1, NM_001408512.1, NM_001408510.1 and 1 more transcripts); c.-108-2983dup (NM_001407885.1, NM_001407886.1, NM_001408509.1 and 48 more transcripts); c.-177-2983dup (NM_001407746.1, NM_001408468.1, NM_001407842.1 and 12 more transcripts); c.-8+5255dup (NM_001408461.1, NM_001407738.1, NM_001407932.1 and 23 more transcripts); and 16 more.
Identifiers: ClinVar variation 264797 (VCV000264797.2), dbSNP rs35150209, ClinGen allele CA10588260.